The following is an entry in ClinVar:

NM_000392.5(ABCC2):c.3921_3925dup (p.Tyr1309fs)

Gene: ABCC2 (ATP binding cassette subfamily C member 2; plus strand). Cytogenetic location: 10q24.2.
Variant type: Duplication.
Coding change: c.3921_3925dup on transcript NM_000392.5 (MANE Select); coding-DNA positions 3921 to 3925, 5 bases duplicated (GCGGT; older notation c.3921_3925dupGCGGT).
Protein change: p.Tyr1309fs; shifts the reading frame from tyrosine 1309.
Molecular consequence: frameshift variant.
Genome position (GRCh38, 1-based): chr10:99,844,399-99,844,403, GCGGT duplicated; duplicating any 5 consecutive bases within chr10:99,844,397-99,844,403 gives the same sequence; the c. name uses the placement nearest the transcript's 3' end. VCF-style (leftmost placement, unchanged base first): chr10-99844396-A-AGTGCG. GRCh37 (hg19) VCF-style: chr10-101604153-A-AGTGCG.
Other names: c.3921_3925dup5 (NM_000392.4); short protein forms Y1309fs.
Identifiers: ClinVar variation 3780467 (VCV003780467.2).

ClinVar aggregate classification (germline): Likely pathogenic. Review status: criteria provided, multiple submitters, no conflicts (2 of 4 stars). 2 submissions from 2 submitters: Likely pathogenic (2). Last evaluated 2026-03-18.

Conditions:
Dubin-Johnson syndrome (DJS). Also called: HYPERBILIRUBINEMIA, DUBIN-JOHNSON TYPE; Jaundice, Chronic Idiopathic; Hyperbilirubinemia type 2. Identifiers: Orphanet 234, MedGen C0022350, MONDO:0009380, OMIM 237500.
ABCC2-related disorder. Also called: ABCC2-related condition.

Submissions (2):

PreventionGenetics, part of Exact Sciences
Classification: Likely pathogenic for ABCC2-related condition. Last evaluated: 2026-03-18. Review status: criteria provided, single submitter. Criteria: ACMG Guidelines, 2015. Collection method: clinical testing. Allele origin: germline.
Comment: The ABCC2 c.3921_3925dup5 variant is predicted to result in a frameshift and premature protein termination (p.Tyr1309Cysfs*45). To our knowledge, this variant has not been reported in the literature or in a large population database (gnomAD), indicating this variant is rare. Frameshift variants in ABCC2 are expected to be pathogenic. This variant is interpreted as likely pathogenic.

Department of Pathology and Laboratory Medicine, Sinai Health System
Classification: Likely pathogenic for Dubin-Johnson syndrome. Last evaluated: 2023-08-22. Review status: criteria provided, single submitter. Criteria: ACMG Guidelines, 2015. Collection method: research. Allele origin: germline.